The following is an entry in ClinVar:

NM_178170.3(NEK8):c.1222+10C>T

Genes: NEK8 (NIMA related kinase 8; plus strand), LOC130060569 (ATAC-STARR-seq lymphoblastoid active region 11946; plus strand). Cytogenetic location: 17q11.2.
Variant type: single nucleotide variant.
Coding change: c.1222+10C>T on transcript NM_178170.3 (MANE Select); 10 bases into the intron after coding-DNA position 1222, C replaced by T.
Molecular consequence: intron variant.
Genome position (GRCh38, 1-based): chr17:28,738,255, C>T. VCF-style: chr17-28738255-C-T. GRCh37 (hg19) VCF-style: chr17-27065273-C-T.
Identifiers: ClinVar variation 3049929 (VCV003049929.3), dbSNP rs368061384, ClinGen allele CA8467342.

ClinVar aggregate classification (germline): Likely benign. Review status: criteria provided, single submitter (1 of 4 stars). 2 submissions from 2 submitters: Likely benign (1). 1 of the submissions does not count toward it. Last evaluated 2025-03-30.

Conditions:
Nephronophthisis 9 (NPHP9). Identifiers: Orphanet 655, MedGen C3151188, MONDO:0013444, OMIM 613824.
NEK8-related disorder. Also called: NEK8-related condition.

Allele frequency attached by ClinVar (database versions not stated): TOPMed 0.00005; ExAC 0.00006; gnomAD 0.00007; gnomAD exomes 0.00007; ESP Exome Variant Server 0.00015.
gnomAD v4.1: 112 of 1,613,950 alleles (0.0069%); highest among the groups gnomAD compares: Non-Finnish European, 0.0082%; no homozygotes.

Submissions (2):

Labcorp Genetics (formerly Invitae), Labcorp
Classification: Likely benign for Nephronophthisis 9. Last evaluated: 2025-03-30. Review status: criteria provided, single submitter. Criteria: Invitae Variant Classification Sherloc (09022015). Collection method: clinical testing. Allele origin: germline.

PreventionGenetics, part of Exact Sciences
Classification: Likely benign for NEK8-related condition. Last evaluated: 2019-07-12. Review status: no assertion criteria provided. Collection method: clinical testing. Allele origin: germline. Not counted in ClinVar's aggregate classification.
Comment: This variant is classified as likely benign based on ACMG/AMP sequence variant interpretation guidelines (Richards et al. 2015 PMID: 25741868, with internal and published modifications).